The following is an entry in ClinVar:

NM_003738.5(PTCH2):c.302A>G (p.Lys101Arg)

Gene: PTCH2 (patched 2; minus strand). Cytogenetic location: 1p34.1.
Variant type: single nucleotide variant.
Coding change: c.302A>G on transcript NM_003738.5 (MANE Select); coding-DNA position 302, A replaced by G.
Protein change: p.Lys101Arg; replaces lysine 101 with arginine.
Molecular consequence: missense variant.
Genome position (GRCh38, 1-based): chr1:44,832,305, T>C on the plus strand (A>G on the coding strand, the complement: PTCH2 is on the minus strand). VCF-style: chr1-44832305-T-C. GRCh37 (hg19) VCF-style: chr1-45297977-T-C.
Other names: c.302A>G, p.Lys101Arg (NM_001166292.2); short protein forms K101R.
Identifiers: ClinVar variation 655010 (VCV000655010.15), dbSNP rs375651844, ClinGen allele CA823673.

ClinVar aggregate classification (germline): Uncertain significance. Review status: criteria provided, multiple submitters, no conflicts (2 of 4 stars). 5 submissions from 4 submitters: Uncertain significance (5). Last evaluated 2025-08-11.

Conditions:
Gorlin syndrome. Also called: Nevoid Basal Cell Carcinoma Syndrome; Basal cell nevus syndrome. Identifiers: Orphanet 377, MedGen C0004779, MONDO:0007187.
Basal cell nevus syndrome 1 (BCNS1). Also called: GORLIN-GOLTZ SYNDROME; MULTIPLE BASAL CELL NEVI, ODONTOGENIC KERATOCYSTS, AND SKELETAL ANOMALIES. Identifiers: MedGen CN376810, MONDO:0958174, OMIM 109400.

Allele frequency attached by ClinVar (database versions not stated): gnomAD exomes 0.00001 and 0.00003; ExAC 0.00002; ESP Exome Variant Server 0.00008; gnomAD 0.00010 and 0.00011; TOPMed 0.00010.

Submissions (5):

Ambry Genetics
Classification: Uncertain significance. Last evaluated: 2025-08-11. Review status: criteria provided, single submitter. Criteria: Ambry Variant Classification Scheme 2023. Collection method: clinical testing. Allele origin: germline.

St. Jude Molecular Pathology, St. Jude Children's Research Hospital
Classification: Uncertain significance for Basal cell nevus syndrome 1. Last evaluated: 2025-06-17. Review status: criteria provided, single submitter. Criteria: St. Jude Assertion Criteria 2020. Collection method: clinical testing. Allele origin: germline.
Comment: The PTCH2 c.302A>G p.(Lys101Arg) missense change has a maximum subpopulation frequency of 0.044% in gnomAD v2.1.1. The in silico tool REVEL predicts a benign effect on protein function, but to our knowledge this prediction has not been confirmed by functional studies. To our knowledge, this variant has not been reported in individuals with nevoid basal cell carcinoma syndrome. In summary, the evidence currently available is insufficient to determine the clinical significance of this variant. It has therefore been classified as of uncertain significance.

Labcorp Genetics (formerly Invitae), Labcorp
Classification: Uncertain significance for Gorlin syndrome. Last evaluated: 2024-02-12. Review status: criteria provided, single submitter. Criteria: Invitae Variant Classification Sherloc (09022015). Collection method: clinical testing. Allele origin: germline.
Comment: This sequence change replaces lysine, which is basic and polar, with arginine, which is basic and polar, at codon 101 of the PTCH2 protein (p.Lys101Arg). This variant is present in population databases (rs375651844, gnomAD 0.04%), and has an allele count higher than expected for a pathogenic variant. This variant has not been reported in the literature in individuals affected with PTCH2-related conditions. ClinVar contains an entry for this variant (Variation ID: 655010). An algorithm developed to predict the effect of missense changes on protein structure and function (PolyPhen-2) suggests that this variant is likely to be tolerated. In summary, the available evidence is currently insufficient to determine the role of this variant in disease. Therefore, it has been classified as a Variant of Uncertain Significance.

St. Jude Molecular Pathology, St. Jude Children's Research Hospital
Classification: Uncertain significance for Basal cell nevus syndrome 1. Last evaluated: 2022-07-15. Review status: criteria provided, single submitter. Criteria: St. Jude Assertion Criteria 2020. Collection method: clinical testing. Allele origin: germline.
Comment: The PTCH2 c.302A>G (p.Lys101Arg) missense change has a maximum subpopulation frequency of 0.044% in gnomAD v2.1.1. The in silico tool REVEL predicts a benign effect on protein function, but to our knowledge this prediction has not been confirmed by functional studies. To our knowledge, this variant has not been reported in individuals with nevoid basal cell carcinoma syndrome. In summary, the evidence currently available is insufficient to determine the clinical significance of this variant. It has therefore been classified as of uncertain significance.

Baylor Genetics
Classification: Uncertain significance for Basal cell nevus syndrome 1. Last evaluated: 2019-04-13. Review status: criteria provided, single submitter. Criteria: ACMG Guidelines, 2015. Collection method: clinical testing. Allele origin: unknown. Affected: yes. Study: CSER-TexasKidsCanSeq.
Comment: This variant was determined to be of uncertain significance according to ACMG Guidelines, 2015 [PMID:25741868].